The following is an entry in ClinVar:

NM_001754.5(RUNX1):c.1173_1174del (p.Gln392fs)

Gene: RUNX1 (RUNX family transcription factor 1; minus strand). Cytogenetic location: 21q22.12.
Variant type: Microsatellite.
Coding change: c.1173_1174del on transcript NM_001754.5 (MANE Select); coding-DNA positions 1173 to 1174, 2 bases deleted (GC; older notation c.1173_1174delGC).
Protein change: p.Gln392fs; shifts the reading frame from glutamine 392.
Molecular consequence: frameshift variant.
Genome position (GRCh38, 1-based): chr21:34,792,404-34,792,405, GC deleted on the plus strand (GC on the coding strand, the reverse complement: RUNX1 is on the minus strand); deleting any 2 consecutive bases within chr21:34,792,404-34,792,407 gives the same sequence; the c. name uses the placement nearest the transcript's 3' end. VCF-style (leftmost placement, unchanged base first): chr21-34792403-TGC-T. GRCh37 (hg19) VCF-style: chr21-36164700-TGC-T.
Other names: NM_001754.5(RUNX1):c.1173_1174del; p.Gln392fs; c.1173_1174delGC (NM_001754.4); c.1092_1093del, p.Gln365fs (NM_001001890.3); c.1171_1172GC[1], p.Gln392Glyfs (NM_001754.4); short protein forms Q365fs, Q392fs.
Identifiers: ClinVar variation 2631353 (VCV002631353.4), dbSNP rs2516820446, ClinGen allele CA2695201441.
Genomic context (GRCh38, chr21:34,792,403, plus strand): 5'-CCGGCCGAGGCGCCGTAGTACAGGTGGTAGGAGGGCGAGCTGGCTTGGAACGGGCCTCCC[TGC>T]GCTTGCGACGAGCCGGGGTAGGGCGGCGGCAGGTAGGTGTGGTAGCGCGTGGCCGAGCCC-3'

ClinVar aggregate classification (germline): Likely pathogenic. Review status: reviewed by expert panel (3 of 4 stars). 2 submissions from 2 submitters: Likely pathogenic (1). 1 of the submissions does not count toward it. Last evaluated 2026-10-05.

Conditions:
Hereditary thrombocytopenia and hematologic cancer predisposition syndrome. Identifiers: Orphanet 71290, MedGen CN281654, MONDO:0011071.
RUNX1-related disorder. Also called: RUNX1-related condition.

Submissions (2):

ClinGen Myeloid Malignancy Variant Curation Expert Panel
Classification: Likely pathogenic for Hereditary thrombocytopenia and hematologic cancer predisposition syndrome. Last evaluated: 2026-10-05. Review status: reviewed by expert panel. Criteria: ClinGen MyeloMalig ACMG Specifications V3.1. Collection method: curation. Allele origin: germline. Inheritance: Autosomal dominant inheritance.
Comment: NM_001754.5(RUNX1):c.1173_1174del (p.Gln392GlyfsTer?) is a frameshift variant which is not predicted to undergo NMD (PVS1_Strong). This variant is downstream of c.98 (PM5_Supporting) and is completely absent from all population databases with at least 20x coverage for RUNX1 (PM2_Supporting). In summary, this variant meets criteria to be classified as likely pathogenic. ACMG/AMP criteria applied, as specified by the ClinGen Myeloid Malignancy Variant Curation Expert Panel for RUNX1: PVS1_Strong, PM5_Supporting, PM2_Supporting.

PreventionGenetics, part of Exact Sciences
Classification: Likely pathogenic for RUNX1-related condition. Last evaluated: 2023-08-17. Review status: criteria provided, single submitter. Criteria: ACMG Guidelines, 2015. Collection method: clinical testing. Allele origin: germline. Not counted in ClinVar's aggregate classification.
Comment: The RUNX1 c.1173_1174delGC variant is predicted to result in a frameshift and premature protein termination (p.Gln392Glyfs*207). To our knowledge, this variant has not been reported in the literature or in a large population database, indicating this variant is rare. Frameshift variants in RUNX1 are expected to be pathogenic. This variant is interpreted as likely pathogenic.